The following is an entry in ClinVar:

ClinVar aggregate classification (germline): Uncertain significance. Review status: criteria provided, multiple submitters, no conflicts (2 of 4 stars). 3 submissions from 3 submitters: Uncertain significance (3). Last evaluated 2024-02-28.

Conditions:
Dyskeratosis congenita, autosomal dominant 6 (DKCA6). Identifiers: Orphanet 3322, MedGen C4225284, MONDO:0014690, OMIM 616553.
Inborn genetic diseases. Identifiers: MedGen C0950123, MeSH D030342.

Allele frequency attached by ClinVar (database versions not stated): gnomAD exomes below 0.00001; gnomAD 0.00001; TOPMed 0.00001.
gnomAD v4.1: 6 of 1,613,558 alleles (0.00037%); highest among the groups gnomAD compares: East Asian, 0.0045%; no homozygotes.

Submissions (3):

Ambry Genetics
Classification: Uncertain significance for Inborn genetic diseases. Last evaluated: 2024-02-28. Review status: criteria provided, single submitter. Criteria: Ambry Variant Classification Scheme 2023. Collection method: clinical testing. Allele origin: germline.
Comment: The p.P365L variant (also known as c.1094C>T), located in coding exon 10 of the ACD gene, results from a C to T substitution at nucleotide position 1094. The proline at codon 365 is replaced by leucine, an amino acid with similar properties. This amino acid position is conserved. In addition, this alteration is predicted to be tolerated by in silico analysis. Since supporting evidence is limited at this time, the clinical significance of this alteration remains unclear.

Labcorp Genetics (formerly Invitae), Labcorp
Classification: Uncertain significance for Dyskeratosis congenita, autosomal dominant 6. Last evaluated: 2023-03-23. Review status: criteria provided, single submitter. Criteria: Invitae Variant Classification Sherloc (09022015). Collection method: clinical testing. Allele origin: germline.
Comment: In summary, the available evidence is currently insufficient to determine the role of this variant in disease. Therefore, it has been classified as a Variant of Uncertain Significance. Advanced modeling of protein sequence and biophysical properties (such as structural, functional, and spatial information, amino acid conservation, physicochemical variation, residue mobility, and thermodynamic stability) performed at Invitae indicates that this missense variant is expected to disrupt ACD protein function. ClinVar contains an entry for this variant (Variation ID: 1337441). This variant has not been reported in the literature in individuals affected with ACD-related conditions. This variant is not present in population databases (gnomAD no frequency). This sequence change replaces proline, which is neutral and non-polar, with leucine, which is neutral and non-polar, at codon 365 of the ACD protein (p.Pro365Leu).

Genetic Services Laboratory, University of Chicago
Classification: Uncertain significance. Last evaluated: 2019-11-12. Review status: criteria provided, single submitter. Criteria: ACMG Guidelines, 2015. Collection method: clinical testing. Allele origin: germline. Affected: no.

NM_001082486.2(ACD):c.836C>T (p.Pro279Leu)

Gene: ACD (ACD shelterin complex subunit and telomerase recruitment factor; minus strand). Cytogenetic location: 16q22.1.
Variant type: single nucleotide variant.
Coding change: c.836C>T on transcript NM_001082486.2 (MANE Select); coding-DNA position 836, C replaced by T.
Protein change: p.Pro279Leu; replaces proline 279 with leucine.
Molecular consequence: missense variant.
Genome position (GRCh38, 1-based): chr16:67,658,356, G>A on the plus strand (C>T on the coding strand, the complement: ACD is on the minus strand). VCF-style: chr16-67658356-G-A. GRCh37 (hg19) VCF-style: chr16-67692259-G-A.
Other names: c.827C>T, p.Pro276Leu (NM_022914.3); short protein forms P276L, P279L.
Identifiers: ClinVar variation 1337441 (VCV001337441.9), dbSNP rs1370466465, ClinGen allele CA396353042.
Genomic context (GRCh38, chr16:67,658,356, plus strand): 5'-GCAGGCAGAAGGCTGATGCTGGTACCACTTTCCTCGGATGACATGTGGCCGGGTAAGGCC[G>A]GGGTTCCTGAGGAGGAGGGGACTTATTGTAGGCACAGCCCTCTCCGCTCAGGGCAGCTGA-3'
Protein context (NP_001075955.2, residues 269-289): PPSSPSSSGT[Pro279Leu]ALPGHMSSEE